The following is an entry in ClinVar:

NM_001142285.2(RPS24):c.760C>G (p.Leu254Val)

Gene: RPS24 (ribosomal protein S24; plus strand). Cytogenetic location: 10q22.3.
Variant type: single nucleotide variant.
Coding change: c.760C>G on transcript NM_001142285.2; coding-DNA position 760, C replaced by G.
Protein change: p.Leu254Val; replaces leucine 254 with valine.
Molecular consequence: missense variant.
Genome position (GRCh38, 1-based): chr10:78,054,900, C>G. VCF-style: chr10-78054900-C-G. GRCh37 (hg19) VCF-style: chr10-79814658-C-G.
Other names: short protein forms L254V.
Identifiers: ClinVar variation 5038981 (VCV005038981.1).

ClinVar aggregate classification (germline): Uncertain significance (1 of 4 stars; one submission).

Submission:

CeGaT Center for Human Genetics Tuebingen
Classification: Uncertain significance. Last evaluated: 2026-07-01. Review status: criteria provided, single submitter. Criteria: CeGaT Center For Human Genetics Tuebingen Variant Classification Criteria Version 2. Collection method: clinical testing. Allele origin: germline. Affected: yes. Observed: 1 variant allele.
Comment: RPS24: PM2, BP4